The following is an entry in ClinVar:

ClinVar aggregate classification (germline): Uncertain significance. Review status: criteria provided, multiple submitters, no conflicts (2 of 4 stars). 2 submissions from 2 submitters: Uncertain significance (2). Last evaluated 2025-05-19.

gnomAD v4.1: 7 of 1,613,920 alleles (0.00043%); highest among the groups gnomAD compares: Admixed American, 0.0017%; no homozygotes.

Submissions (2):

Labcorp Genetics (formerly Invitae), Labcorp
Classification: Uncertain significance. Last evaluated: 2025-05-19. Review status: criteria provided, single submitter. Criteria: Invitae Variant Classification Sherloc (09022015). Collection method: clinical testing. Allele origin: germline.
Comment: This sequence change replaces glycine, which is neutral and non-polar, with serine, which is neutral and polar, at codon 1142 of the FN1 protein (p.Gly1142Ser). This variant is present in population databases (no rsID available, gnomAD 0.003%). This variant has not been reported in the literature in individuals affected with FN1-related conditions. An algorithm developed to predict the effect of missense changes on protein structure and function (PolyPhen-2) suggests that this variant is likely to be disruptive. In summary, the available evidence is currently insufficient to determine the role of this variant in disease. Therefore, it has been classified as a Variant of Uncertain Significance.

Blueprint Genetics
Classification: Uncertain significance. Last evaluated: 2019-04-25. Review status: criteria provided, single submitter. Criteria: ACMG Guidelines, 2015. Collection method: clinical testing. Allele origin: germline.

NM_212482.4(FN1):c.3424G>A (p.Gly1142Ser)

Gene: FN1 (fibronectin 1; minus strand). Cytogenetic location: 2q35.
Variant type: single nucleotide variant.
Coding change: c.3424G>A on transcript NM_212482.4 (MANE Select); coding-DNA position 3424, G replaced by A.
Protein change: p.Gly1142Ser; replaces glycine 1142 with serine.
Molecular consequence: missense variant.
Genome position (GRCh38, 1-based): chr2:215,397,773, C>T on the plus strand (G>A on the coding strand, the complement: FN1 is on the minus strand). VCF-style: chr2-215397773-C-T. GRCh37 (hg19) VCF-style: chr2-216262496-C-T.
Other names: c.3424G>A, p.Gly1142Ser (NM_001306129.2, NM_001306130.2, NM_001306131.2 and 13 more transcripts); short protein forms G1142S.
Identifiers: ClinVar variation 4800376 (VCV004800376.2).